The following is an entry in ClinVar:

NM_001429.4(EP300):c.2504T>C (p.Val835Ala)

Gene: EP300 (EP300 lysine acetyltransferase; plus strand). Cytogenetic location: 22q13.2.
Variant type: single nucleotide variant.
Coding change: c.2504T>C on transcript NM_001429.4 (MANE Select); coding-DNA position 2504, T replaced by C.
Protein change: p.Val835Ala; replaces valine 835 with alanine.
Molecular consequence: missense variant.
Genome position (GRCh38, 1-based): chr22:41,149,885, T>C. VCF-style: chr22-41149885-T-C. GRCh37 (hg19) VCF-style: chr22-41545889-T-C.
Other names: c.2426T>C, p.Val809Ala (NM_001362843.2); short protein forms V809A, V835A.
Identifiers: ClinVar variation 3350809 (VCV003350809.3).

ClinVar aggregate classification (germline): Uncertain significance. Review status: criteria provided, single submitter (1 of 4 stars). 2 submissions from 2 submitters: Uncertain significance (1). 1 of the submissions does not count toward it. Last evaluated 2024-02-26.

Conditions:
EP300-related disorder. Also called: EP300-related condition; EP300-related disorders.
Rubinstein-Taybi syndrome due to EP300 haploinsufficiency. Also called: EP300-Related Rubinstein-Taybi Syndrome; RUBINSTEIN-TAYBI SYNDROME 2. Identifiers: Orphanet 353284, Orphanet 783, MedGen C3150941, MONDO:0013364, OMIM 613684.

gnomAD v4.1: 11 of 1,613,902 alleles (0.00068%); highest among the groups gnomAD compares: Non-Finnish European, 0.00085%; no homozygotes.

Submissions (2):

Labcorp Genetics (formerly Invitae), Labcorp
Classification: Uncertain significance for Rubinstein-Taybi syndrome due to EP300 haploinsufficiency. Last evaluated: 2024-02-26. Review status: criteria provided, single submitter. Criteria: Invitae Variant Classification Sherloc (09022015). Collection method: clinical testing. Allele origin: germline.
Comment: This sequence change replaces valine, which is neutral and non-polar, with alanine, which is neutral and non-polar, at codon 835 of the EP300 protein (p.Val835Ala). This variant is not present in population databases (gnomAD no frequency). This variant has not been reported in the literature in individuals affected with EP300-related conditions. Advanced modeling of protein sequence and biophysical properties (such as structural, functional, and spatial information, amino acid conservation, physicochemical variation, residue mobility, and thermodynamic stability) performed at Invitae indicates that this missense variant is not expected to disrupt EP300 protein function with a negative predictive value of 80%. In summary, the available evidence is currently insufficient to determine the role of this variant in disease. Therefore, it has been classified as a Variant of Uncertain Significance.

PreventionGenetics, part of Exact Sciences
Classification: Uncertain significance for EP300-related condition. Last evaluated: 2024-05-01. Review status: no assertion criteria provided. Collection method: clinical testing. Allele origin: germline. Not counted in ClinVar's aggregate classification.
Comment: The EP300 c.2504T>C variant is predicted to result in the amino acid substitution p.Val835Ala. To our knowledge, this variant has not been reported in the literature or in a large population database, indicating this variant is rare. At this time, the clinical significance of this variant is uncertain due to the absence of conclusive functional and genetic evidence.